The following is an entry in ClinVar:

NM_017950.4(CCDC40):c.2323G>A (p.Val775Met)

Gene: CCDC40 (coiled-coil domain 40 molecular ruler complex subunit; plus strand). Cytogenetic location: 17q25.3.
Variant type: single nucleotide variant.
Coding change: c.2323G>A on transcript NM_017950.4 (MANE Select); coding-DNA position 2323, G replaced by A.
Protein change: p.Val775Met; replaces valine 775 with methionine.
Molecular consequence: missense variant.
Genome position (GRCh38, 1-based): chr17:80,086,090, G>A. VCF-style: chr17-80086090-G-A. GRCh37 (hg19) VCF-style: chr17-78059889-G-A.
Other names: c.2323G>A, p.Val775Met (NM_001243342.2); short protein forms V775M.
Identifiers: ClinVar variation 162851 (VCV000162851.27), dbSNP rs60684213, ClinGen allele CA175435.

ClinVar aggregate classification (germline): Benign/Likely benign. Review status: criteria provided, multiple submitters, no conflicts (2 of 4 stars). 9 submissions from 9 submitters: Benign (8); Likely benign (1). Last evaluated 2026-02-03.

Conditions:
Primary ciliary dyskinesia 15. Also called: CILIARY DYSKINESIA, PRIMARY, 15, WITH OR WITHOUT SITUS INVERSUS. Identifiers: Orphanet 244, MedGen C3151137, MONDO:0013435, OMIM 613808.
Primary ciliary dyskinesia. Also called: Ciliary dyskinesia. Identifiers: Orphanet 244, MedGen C0008780, MONDO:0016575, HP:0012265.

Allele frequency attached by ClinVar (database versions not stated): gnomAD exomes 0.08796; 1000 Genomes Project 0.10583; 1000 Genomes Project 30x 0.10759; gnomAD 0.11519 and 0.11874; TOPMed 0.11521; ESP Exome Variant Server 0.11797.
gnomAD v4.1: 139,068 of 1,614,060 alleles (8.6%); highest among the groups gnomAD compares: African/African-American, 21%; 7,071 homozygotes.

Submissions (9):

Labcorp Genetics (formerly Invitae), Labcorp
Classification: Benign for Primary ciliary dyskinesia. Last evaluated: 2026-02-03. Review status: criteria provided, single submitter. Criteria: Invitae Variant Classification Sherloc (09022015). Collection method: clinical testing. Allele origin: germline.

Blueprint Genetics
Classification: Likely benign. Last evaluated: 2024-11-27. Review status: criteria provided, single submitter. Criteria: ACMG Guidelines, 2015. Collection method: clinical testing. Allele origin: germline.

Mayo Clinic Laboratories, Mayo Clinic
Classification: Benign. Last evaluated: 2022-04-26. Review status: criteria provided, single submitter. Criteria: ACMG Guidelines, 2015. Collection method: clinical testing. Allele origin: germline. Observed: 35 variant alleles.

GeneDx
Classification: Benign. Last evaluated: 2018-07-05. Review status: criteria provided, single submitter. Criteria: GeneDx Variant Classification Process June 2021. Collection method: clinical testing. Allele origin: germline. Affected: yes.

Illumina Laboratory Services, Illumina
Classification: Benign for Primary ciliary dyskinesia 15. Last evaluated: 2018-01-12. Review status: criteria provided, single submitter. Criteria: ICSL Variant Classification Criteria 13 December 2019. Collection method: clinical testing. Allele origin: germline.
Comment: This variant was observed in the ICSL laboratory as part of a predisposition screen in an ostensibly healthy population. It had not been previously curated by ICSL or reported in the Human Gene Mutation Database (HGMD: prior to June 1st, 2018), and was therefore a candidate for classification through an automated scoring system. Utilizing variant allele frequency, disease prevalence and penetrance estimates, and inheritance mode, an automated score was calculated to assess if this variant is too frequent to cause the disease. Based on the score and internal cut-off values, a variant classified as benign is not then subjected to further curation. The score for this variant resulted in a classification of benign for this disease.

Ambry Genetics
Classification: Benign for Primary ciliary dyskinesia. Last evaluated: 2016-07-27. Review status: criteria provided, single submitter. Criteria: Ambry Variant Classification Scheme 2023. Collection method: clinical testing. Allele origin: germline.

Laboratory for Molecular Medicine, Mass General Brigham Personalized Medicine
Classification: Benign. Last evaluated: 2013-02-21. Review status: criteria provided, single submitter. Criteria: LMM Criteria. Collection method: clinical testing. Allele origin: germline. Observed: 20 variant alleles.
Comment: Val775Met in exon 14 of CCDC40: This variant is not expected to have clinical si gnificance because it has been identified in 18.5% (775/4194) of African America n chromosomes from a broad population by the NHLBI Exome Sequencing Project (dbSNP rs60684213).

Breakthrough Genomics
Classification: Benign. Review status: criteria provided, single submitter. Criteria: ACMG Guidelines, 2015. Collection method: not provided. Allele origin: germline. Inheritance: Autosomal recessive inheritance. Affected: yes.

PreventionGenetics, part of Exact Sciences
Classification: Benign. Review status: criteria provided, single submitter. Criteria: ACMG Guidelines, 2015. Collection method: clinical testing. Allele origin: germline.